The following is an entry in ClinVar:

NM_006180.6(NTRK2):c.176A>G (p.Glu59Gly)

Gene: NTRK2 (neurotrophic receptor tyrosine kinase 2; plus strand). Cytogenetic location: 9q21.33.
Variant type: single nucleotide variant.
Coding change: c.176A>G on transcript NM_006180.6 (MANE Select); coding-DNA position 176, A replaced by G.
Protein change: p.Glu59Gly; replaces glutamic acid 59 with glycine.
Molecular consequence: missense variant.
Genome position (GRCh38, 1-based): chr9:84,670,924, A>G. VCF-style: chr9-84670924-A-G. GRCh37 (hg19) VCF-style: chr9-87285839-A-G.
Other names: c.176A>G, p.Glu59Gly (NM_001007097.3, NM_001018064.3, NM_001018065.2 and 18 more transcripts); short protein forms E59G.
Identifiers: ClinVar variation 4999400 (VCV004999400.1).

ClinVar aggregate classification (germline): Uncertain significance (1 of 4 stars; one submission).

Conditions:
NTRK2-related disorder. Also called: NTRK2-related condition.

Submission:

PreventionGenetics, part of Exact Sciences
Classification: Uncertain significance for NTRK2-related condition. Last evaluated: 2025-08-12. Review status: criteria provided, single submitter. Criteria: ACMG Guidelines, 2015. Collection method: clinical testing. Allele origin: germline.
Comment: The NTRK2 c.176A>G variant is predicted to result in the amino acid substitution p.Glu59Gly. To our knowledge, this variant has not been reported in the literature or in a large population database (gnomAD), indicating this variant is rare. At this time, the clinical significance of this variant is uncertain due to the absence of conclusive functional and genetic evidence.